The following is an entry in ClinVar:

ClinVar aggregate classification (germline): Uncertain significance (1 of 4 stars; one submission).

gnomAD v4.1: 1 of 1,564,844 alleles (0.000064%); highest among the groups gnomAD compares: South Asian, 0.0011%; no homozygotes.

Submission:

Ambry Genetics
Classification: Uncertain significance. Last evaluated: 2023-04-07. Review status: criteria provided, single submitter. Criteria: Ambry Variant Classification Scheme 2023. Collection method: clinical testing. Allele origin: germline.
Comment: The p.V2552L variant (also known as c.7654G>C), located in coding exon 29 of the POLQ gene, results from a G to C substitution at nucleotide position 7654. The valine at codon 2552 is replaced by leucine, an amino acid with highly similar properties. This amino acid position is conserved. In addition, the in silico prediction for this alteration is inconclusive. Since supporting evidence is limited at this time, the clinical significance of this alteration remains unclear.

NM_199420.4(POLQ):c.7654G>C (p.Val2552Leu)

Gene: POLQ (DNA polymerase theta; minus strand). Cytogenetic location: 3q13.33.
Variant type: single nucleotide variant.
Coding change: c.7654G>C on transcript NM_199420.4 (MANE Select); coding-DNA position 7654, G replaced by C.
Protein change: p.Val2552Leu; replaces valine 2552 with leucine.
Molecular consequence: missense variant.
Genome position (GRCh38, 1-based): chr3:121,432,923, C>G on the plus strand (G>C on the coding strand, the complement: POLQ is on the minus strand). VCF-style: chr3-121432923-C-G. GRCh37 (hg19) VCF-style: chr3-121151770-C-G.
Other names: short protein forms V2552L.
Identifiers: ClinVar variation 2563790 (VCV002563790.2), dbSNP rs768706265, ClinGen allele CA354093463.
Genomic context (GRCh38, chr3:121,432,923, plus strand): 5'-TGACAATACAGTGTCTTGTCTTCCTATGGAATGGACACAAGCATTGCAAAAATACCTGAA[C>G]AACATCTTCTTCTGCCACTTCATATAGGAGTTCATCATGGAGTTGAAGGATGAAGAAGCC-3'
Protein context (NP_955452.3, residues 2542-2562): LLYEVAEEDV[Val2552Leu]QVAQIVKNEM